The following is an entry in ClinVar:

NM_000202.8(IDS):c.1224dup (p.Thr409fs)

Gene: IDS (iduronate 2-sulfatase; minus strand). Cytogenetic location: Xq28.
Variant type: Duplication.
Coding change: c.1224dup on transcript NM_000202.8 (MANE Select); coding-DNA position 1224, one base duplicated (C; older notation c.1224dupC).
Protein change: p.Thr409fs; shifts the reading frame from threonine 409.
Molecular consequence: frameshift variant.
Genome position (GRCh38, 1-based): chrX:149,483,175, G duplicated on the plus strand (C on the coding strand, the reverse complement: IDS is on the minus strand); the first of 3 consecutive G bases (chrX:149,483,175-149,483,177); duplicating any one gives the same sequence. VCF-style (leftmost placement, unchanged base first): chrX-149483174-T-TG. GRCh37 (hg19) VCF-style: chrX-148564705-T-TG.
Other names: c.954dup, p.Thr319fs (NM_001166550.4); short protein forms T409fs, T319fs.
Identifiers: ClinVar variation 1453829 (VCV001453829.8), dbSNP rs2123995054, ClinGen allele CA2573159288.

ClinVar aggregate classification (germline): Pathogenic (1 of 4 stars; one submission).

Conditions:
Mucopolysaccharidosis, MPS-II (MPS2). Also called: Mucopolysaccharidosis type 2; IDS deficiency; Sulfoiduronate sulfatase deficiency; SIDS deficiency; Mucopolysaccharidosis with skin involvement; Hunter Syndrome. Identifiers: Orphanet 580, Orphanet 79388, MedGen C0026705, MONDO:0010674, OMIM 309900.

Submission:

Labcorp Genetics (formerly Invitae), Labcorp
Classification: Pathogenic for Mucopolysaccharidosis, MPS-II. Last evaluated: 2024-10-22. Review status: criteria provided, single submitter. Criteria: Invitae Variant Classification Sherloc (09022015). Collection method: clinical testing. Allele origin: germline.
Comment: This sequence change creates a premature translational stop signal (p.Thr409Hisfs*22) in the IDS gene. While this is not anticipated to result in nonsense mediated decay, it is expected to disrupt the last 142 amino acid(s) of the IDS protein. This variant is not present in population databases (gnomAD no frequency). This variant has not been reported in the literature in individuals affected with IDS-related conditions. ClinVar contains an entry for this variant (Variation ID: 1453829). This variant disrupts a region of the IDS protein in which other variant(s) (p.Arg443*) have been determined to be pathogenic (PMID: 1303211, 18500569, 21291454, 21829674, 27146977). This suggests that this is a clinically significant region of the protein, and that variants that disrupt it are likely to be disease-causing. For these reasons, this variant has been classified as Pathogenic.

Literature cited by the submitters: PubMed 1303211; PubMed 18500569; PubMed 21291454; PubMed 21829674; PubMed 27146977.